The following is an entry in ClinVar:

ClinVar aggregate classification (germline): Uncertain significance (1 of 4 stars; one submission).

Allele frequency attached by ClinVar (database versions not stated): TOPMed below 0.00001.

Submission:

Labcorp Genetics (formerly Invitae), Labcorp
Classification: Uncertain significance. Last evaluated: 2022-07-12. Review status: criteria provided, single submitter. Criteria: Invitae Variant Classification Sherloc (09022015). Collection method: clinical testing. Allele origin: germline.
Comment: Algorithms developed to predict the effect of sequence changes on RNA splicing suggest that this variant may create or strengthen a splice site. In summary, the available evidence is currently insufficient to determine the role of this variant in disease. Therefore, it has been classified as a Variant of Uncertain Significance. ClinVar contains an entry for this variant (Variation ID: 1473471). This variant has not been reported in the literature in individuals affected with DRAM2-related conditions. This variant is not present in population databases (gnomAD no frequency). This sequence change falls in intron 8 of the DRAM2 gene. It does not directly change the encoded amino acid sequence of the DRAM2 protein.

NM_001349884.2(DRAM2):c.693+10C>T

Gene: DRAM2 (DNA damage regulated autophagy modulator 2; minus strand). Cytogenetic location: 1p13.3.
Variant type: single nucleotide variant.
Coding change: c.693+10C>T on transcript NM_001349884.2 (MANE Select); 10 bases into the intron after coding-DNA position 693, C replaced by T.
Molecular consequence: intron variant.
Genome position (GRCh38, 1-based): chr1:111,118,795, G>A on the plus strand (C>T on the coding strand, the complement: DRAM2 is on the minus strand). VCF-style: chr1-111118795-G-A. GRCh37 (hg19) VCF-style: chr1-111661417-G-A.
Other names: c.693+10C>T (NM_001349885.2, NM_178454.6, NM_001349882.2 and 1 more transcripts); c.303+10C>T (NM_001349889.2, NM_001349890.2, NM_001349891.2 and 2 more transcripts); c.423+10C>T (NM_001349887.2, NM_001349886.2, NM_001349888.2).
Identifiers: ClinVar variation 1473471 (VCV001473471.8), dbSNP rs1015606323, ClinGen allele CA29288956.
Genomic context (GRCh38, chr1:111,118,795, plus strand): 5'-CTCTTAGTCTACCTTCCTGGACTAAGAGAAGGAAGTCTGACTGAATAAATCTAATATTGT[G>A]CCTTCTTACCTGAAAATCACGAATGTAAGTCAGGAAAAAACCAAAGAAGGAAAATGACAT-3'